The following is an entry in ClinVar:

NM_001267550.2(TTN):c.31014T>G (p.Tyr10338Ter)

Gene: TTN (titin; minus strand). Cytogenetic location: 2q31.2.
Variant type: single nucleotide variant.
Coding change: c.31014T>G on transcript NM_001267550.2 (MANE Select); coding-DNA position 31014, T replaced by G.
Protein change: p.Tyr10338Ter; replaces tyrosine 10338 with a stop codon.
Molecular consequence: nonsense. On other transcripts: intron variant (3).
Genome position (GRCh38, 1-based): chr2:178,696,058, A>C on the plus strand (T>G on the coding strand, the complement: TTN is on the minus strand). VCF-style: chr2-178696058-A-C. GRCh37 (hg19) VCF-style: chr2-179560785-A-C.
Other names: c.27282T>G, p.Tyr9094Ter (NM_133378.4); c.30063T>G, p.Tyr10021Ter (NM_001256850.1); c.13282+42024T>G (NM_003319.4); c.13858+42024T>G (NM_133437.4); c.13657+42024T>G (NM_133432.3); short protein forms Y10338*, Y9094*, Y10021*.
Identifiers: ClinVar variation 46845 (VCV000046845.5), dbSNP rs397517536, ClinGen allele CA139339.

ClinVar aggregate classification (germline): Uncertain significance (1 of 4 stars; one submission).

Submission:

Laboratory for Molecular Medicine, Mass General Brigham Personalized Medicine
Classification: Uncertain significance. Last evaluated: 2012-11-21. Review status: criteria provided, single submitter. Criteria: LMM Criteria. Collection method: clinical testing. Allele origin: germline. Observed: 1 variant allele.
Comment: Variant classified as Uncertain Significance - Favor Pathogenic. The Tyr9094X va riant in TTN has not been reported in the literature nor previously identified b y our laboratory or in large and broad European American and African American po pulations screened by the NHLBI Exome Sequencing Project. Please note that this does not eliminate the possibility that thi s variant is common in other populations (this individual?s ancestry was not pro vided). This variant leads to a premature termination codon at position 9094, wh ich is predicted to lead to a truncated or absent protein. Heterozygous loss-of- function of the TTN gene is strongly associated with DCM (Herman 2012), though r educed penetrance and variable expressivity have been observed. In summary, the available evidence suggests that this variant is likely to be pathogenic. Howeve r, because it has not yet been identified in an individual with cardiomyopathy, it is unclear if it would be disease-causing and additional studies are required to fully establish its clinical significance.